The following is an entry in ClinVar:

NM_004415.4(DSP):c.2986-6T>A

Gene: DSP (desmoplakin; plus strand). Cytogenetic location: 6p24.3.
Variant type: single nucleotide variant.
Coding change: c.2986-6T>A on transcript NM_004415.4 (MANE Select); 6 bases into the intron before coding-DNA position 2986, T replaced by A.
Molecular consequence: intron variant.
Genome position (GRCh38, 1-based): chr6:7,578,458, T>A. VCF-style: chr6-7578458-T-A. GRCh37 (hg19) VCF-style: chr6-7578691-T-A.
Other names: p.?; c.2986-6T>A (NM_001319034.2, NM_001008844.3, NM_004415.3).
Identifiers: ClinVar variation 137170 (VCV000137170.30), dbSNP rs144748036, ClinGen allele CA005705.
Genomic context (GRCh38, chr6:7,578,458, plus strand): 5'-TCAAATTACATAGGACTTTTTTTTTAATGCAATATCTTTTTCTTTCTTTCCTTCCTTTTC[T>A]CCAAGGCTGCAGATGTTCATGCTCGGTACATTGAACTACTTACAAGATCTGGAGACTATT-3'

ClinVar aggregate classification (germline): Benign/Likely benign. Review status: criteria provided, multiple submitters, no conflicts (2 of 4 stars). 13 submissions from 13 submitters: Benign (4); Likely benign (6). 3 of the submissions do not count toward it. Last evaluated 2026-01-26.

Conditions:
DSP-related disorder. Also called: DSP-related condition; DSP-related disorders.
Arrhythmogenic right ventricular dysplasia 8 (ARVD8). Also called: ARRHYTHMOGENIC RIGHT VENTRICULAR CARDIOMYOPATHY 8; Arrhythmogenic Right Ventricular Dysplasia/Cardiomyopathy 8; ARRHYTHMOGENIC RIGHT VENTRICULAR DYSPLASIA, FAMILIAL, 8. Identifiers: MedGen C1843896, MONDO:0011831, OMIM 607450.
Arrhythmogenic cardiomyopathy with wooly hair and keratoderma. Also called: Arrhythmogenic cardiomyopathy with woolly hair and keratoderma; Carvajal syndrome; PALMOPLANTAR KERATODERMA WITH LEFT VENTRICULAR CARDIOMYOPATHY AND WOOLLY HAIR; Dilated cardiomyopathy with woolly hair and keratoderma. Identifiers: Orphanet 65282, MedGen C1854063, MONDO:0011581, OMIM 605676.
Cardiomyopathy (CMYO). Also called: Cardiomyopathies. Identifiers: Orphanet 167848, MedGen C0878544, MONDO:0004994, HP:0001638. Inheritance: Various modes of inheritance.

Allele frequency attached by ClinVar (database versions not stated): gnomAD exomes 0.00011 and 0.00025; ExAC 0.00036; gnomAD 0.00105 and 0.00108; TOPMed 0.00119; 1000 Genomes Project 0.00160; 1000 Genomes Project 30x 0.00187; ESP Exome Variant Server 0.00192.
gnomAD v4.1: 326 of 1,612,502 alleles (0.02%); highest among the groups gnomAD compares: African/African-American, 0.41%; 1 homozygote.

Submissions (13):

Labcorp Genetics (formerly Invitae), Labcorp
Classification: Benign for Arrhythmogenic cardiomyopathy with wooly hair and keratoderma; Arrhythmogenic right ventricular dysplasia 8. Last evaluated: 2026-01-26. Review status: criteria provided, single submitter. Criteria: Invitae Variant Classification Sherloc (09022015). Collection method: clinical testing. Allele origin: germline.

Mayo Clinic Laboratories, Mayo Clinic
Classification: Likely benign. Last evaluated: 2025-04-07. Review status: criteria provided, single submitter. Criteria: ACMG Guidelines, 2015. Collection method: clinical testing. Allele origin: germline. Observed: 1 variant allele.
Comment: BS1, BP4, BP7

Blueprint Genetics
Classification: Likely benign. Last evaluated: 2024-06-26. Review status: criteria provided, single submitter. Criteria: ACMG Guidelines, 2015. Collection method: clinical testing. Allele origin: germline.

Women's Health and Genetics/Laboratory Corporation of America, LabCorp
Classification: Benign. Last evaluated: 2024-02-04. Review status: criteria provided, single submitter. Criteria: LabCorp Variant Classification Summary - May 2015. Collection method: clinical testing. Allele origin: germline.

All of Us Research Program, National Institutes of Health
Classification: Likely benign for Arrhythmogenic cardiomyopathy with wooly hair and keratoderma. Last evaluated: 2024-01-11. Review status: criteria provided, single submitter. Criteria: ACMG Guidelines, 2015. Collection method: clinical testing. Allele origin: germline. Inheritance: Autosomal dominant inheritance. Observed: 72 variant alleles, 72 heterozygotes.
Comment: This study involves interpretation of variants in research participants for the purpose of population health screening. Participant phenotype was not available at the time of variant classification. Additional details can be found in publication PMID: 35346344, PMCID: PMC8962531

CHEO Genetics Diagnostic Laboratory, Children's Hospital of Eastern Ontario
Classification: Benign for Cardiomyopathy. Last evaluated: 2023-01-20. Review status: criteria provided, single submitter. Criteria: ACMG Guidelines, 2015. Collection method: clinical testing. Allele origin: germline.

Color Diagnostics, LLC DBA Color Health
Classification: Likely benign for Cardiomyopathy. Last evaluated: 2018-05-11. Review status: criteria provided, single submitter. Criteria: ACMG Guidelines, 2015. Collection method: clinical testing. Allele origin: germline.

Eurofins Ntd Llc (ga)
Classification: Likely benign. Last evaluated: 2016-01-05. Review status: criteria provided, single submitter. Criteria: EGL Classification Definitions 2015. Collection method: clinical testing. Allele origin: germline. Observed: 1 variant allele, 1 heterozygote.

Laboratory for Molecular Medicine, Mass General Brigham Personalized Medicine
Classification: Likely benign. Last evaluated: 2015-10-01. Review status: criteria provided, single submitter. Criteria: LMM Criteria. Collection method: clinical testing. Allele origin: germline. Observed: 1 variant allele.
Comment: c.2986-6T>A in intron 21 of DSP: This variant is not expected to have clinical s ignificance because it has been identified in 0.4% (42/10192) of African chromos omes by the Exome Aggregation Consortium (ExAC; dbSNP rs144748036).

GeneDx
Classification: Benign. Last evaluated: 2014-03-22. Review status: criteria provided, single submitter. Criteria: GeneDx Variant Classification (06012015). Collection method: clinical testing. Allele origin: germline. Affected: yes.
Comment: This variant is considered likely benign or benign based on one or more of the following criteria: it is a conservative change, it occurs at a poorly conserved position in the protein, it is predicted to be benign by multiple in silico algorithms, and/or has population frequency not consistent with disease.

PreventionGenetics, part of Exact Sciences
Classification: Likely benign for DSP-related condition. Last evaluated: 2023-06-19. Review status: no assertion criteria provided. Collection method: clinical testing. Allele origin: germline. Not counted in ClinVar's aggregate classification.
Comment: This variant is classified as likely benign based on ACMG/AMP sequence variant interpretation guidelines (Richards et al. 2015 PMID: 25741868, with internal and published modifications).

Clinical Genetics DNA and cytogenetics Diagnostics Lab, Erasmus MC, Erasmus Medical Center
Classification: Likely benign. Review status: no assertion criteria provided. Collection method: clinical testing. Allele origin: germline. Affected: yes. Study: VKGL Data-share Consensus. Not counted in ClinVar's aggregate classification.

Clinical Genetics, Academic Medical Center
Classification: Benign. Review status: no assertion criteria provided. Collection method: clinical testing. Allele origin: germline. Affected: yes. Study: VKGL Data-share Consensus. Not counted in ClinVar's aggregate classification.